The following is an entry in ClinVar:

ClinVar aggregate classification (germline): Uncertain significance. Review status: criteria provided, multiple submitters, no conflicts (2 of 4 stars). 2 submissions from 2 submitters: Uncertain significance (2). Last evaluated 2025-12-16.

Conditions:
RAI1-related disorder. Also called: RAI1-related condition.

Submissions (2):

PreventionGenetics, part of Exact Sciences
Classification: Uncertain significance for RAI1-related condition. Last evaluated: 2025-12-16. Review status: criteria provided, single submitter. Criteria: ACMG Guidelines, 2015. Collection method: clinical testing. Allele origin: germline.
Comment: The RAI1 c.4697T>C variant is predicted to result in the amino acid substitution p.Leu1566Pro. To our knowledge, this variant has not been reported in the literature or in a large population database (gnomAD), indicating this variant is rare. At this time, the clinical significance of this variant is uncertain due to the absence of conclusive functional and genetic evidence.

Labcorp Genetics (formerly Invitae), Labcorp
Classification: Uncertain significance. Last evaluated: 2024-07-04. Review status: criteria provided, single submitter. Criteria: Invitae Variant Classification Sherloc (09022015). Collection method: clinical testing. Allele origin: germline.
Comment: This sequence change replaces leucine, which is neutral and non-polar, with proline, which is neutral and non-polar, at codon 1566 of the RAI1 protein (p.Leu1566Pro). This variant is not present in population databases (gnomAD no frequency). This variant has not been reported in the literature in individuals affected with RAI1-related conditions. Advanced modeling of protein sequence and biophysical properties (such as structural, functional, and spatial information, amino acid conservation, physicochemical variation, residue mobility, and thermodynamic stability) performed at Invitae indicates that this missense variant is not expected to disrupt RAI1 protein function with a negative predictive value of 80%. In summary, the available evidence is currently insufficient to determine the role of this variant in disease. Therefore, it has been classified as a Variant of Uncertain Significance.

NM_030665.4(RAI1):c.4697T>C (p.Leu1566Pro)

Gene: RAI1 (retinoic acid induced 1; plus strand). Cytogenetic location: 17p11.2.
Variant type: single nucleotide variant.
Coding change: c.4697T>C on transcript NM_030665.4 (MANE Select); coding-DNA position 4697, T replaced by C.
Protein change: p.Leu1566Pro; replaces leucine 1566 with proline.
Molecular consequence: missense variant.
Genome position (GRCh38, 1-based): chr17:17,797,645, T>C. VCF-style: chr17-17797645-T-C. GRCh37 (hg19) VCF-style: chr17-17700959-T-C.
Other names: c.4697T>C (NM_030665.3); short protein forms L1566P.
Identifiers: ClinVar variation 2789513 (VCV002789513.4), dbSNP rs2543621929, ClinGen allele CA398557303.